The following is an entry in ClinVar:

ClinVar aggregate classification (germline): Likely benign. Review status: criteria provided, single submitter (1 of 4 stars). 2 submissions from 2 submitters: Likely benign (1). 1 of the submissions does not count toward it. Last evaluated 2026-01-16.

Conditions:
SLIT2-related disorder. Also called: SLIT2-related condition.

Allele frequency attached by ClinVar (database versions not stated): ExAC 0.00036; gnomAD 0.00054; TOPMed 0.00057; gnomAD exomes 0.00074; ESP Exome Variant Server 0.00077.
gnomAD v4.1: 1,169 of 1,613,586 alleles (0.072%); highest among the groups gnomAD compares: Non-Finnish European, 0.087%; no homozygotes.

Submissions (2):

Labcorp Genetics (formerly Invitae), Labcorp
Classification: Likely benign. Last evaluated: 2026-01-16. Review status: criteria provided, single submitter. Criteria: Invitae Variant Classification Sherloc (09022015). Collection method: clinical testing. Allele origin: germline.

PreventionGenetics, part of Exact Sciences
Classification: Likely benign for SLIT2-related condition. Last evaluated: 2020-12-21. Review status: no assertion criteria provided. Collection method: clinical testing. Allele origin: germline. Not counted in ClinVar's aggregate classification.
Comment: This variant is classified as likely benign based on ACMG/AMP sequence variant interpretation guidelines (Richards et al. 2015 PMID: 25741868, with internal and published modifications).

NM_004787.4(SLIT2):c.3336G>A (p.Glu1112=)

Gene: SLIT2 (slit guidance ligand 2; plus strand). Cytogenetic location: 4p15.31.
Variant type: single nucleotide variant.
Coding change: c.3336G>A on transcript NM_004787.4 (MANE Select); coding-DNA position 3336, G replaced by A.
Protein change: p.Glu1112=; no amino-acid change (glutamic acid 1112 retained).
Molecular consequence: synonymous variant.
Genome position (GRCh38, 1-based): chr4:20,596,430, G>A. VCF-style: chr4-20596430-G-A. GRCh37 (hg19) VCF-style: chr4-20598053-G-A.
Other names: c.3324G>A, p.Glu1108= (NM_001289135.3); c.3312G>A, p.Glu1104= (NM_001289136.3); c.3336G>A (NM_004787.3).
Identifiers: ClinVar variation 2076174 (VCV002076174.6), dbSNP rs151150739, ClinGen allele CA2872169.